The following is an entry in ClinVar:

ClinVar aggregate classification (germline): Likely benign. Review status: criteria provided, multiple submitters, no conflicts (2 of 4 stars). 2 submissions from 2 submitters: Likely benign (2). Last evaluated 2024-09-20.

Conditions:
Hereditary diffuse gastric adenocarcinoma (HDGC). Also called: DIFFUSE GASTRIC AND LOBULAR BREAST CANCER SYNDROME. Identifiers: Orphanet 26106, MedGen C1708349, MONDO:0007648, OMIM 137215.

gnomAD v4.1: 1 of 1,613,722 alleles (0.000062%); highest among the groups gnomAD compares: Non-Finnish European, 0.000085%; no homozygotes.

Submissions (2):

Myriad Genetics, Inc.
Classification: Likely benign for Hereditary diffuse gastric adenocarcinoma. Last evaluated: 2024-09-20. Review status: criteria provided, single submitter. Criteria: Myriad Autosomal Dominant, Autosomal Recessive and X-Linked Classification Criteria (2023). Collection method: clinical testing. Allele origin: unknown.
Comment: This variant is considered likely benign. This variant is intronic and is not expected to impact mRNA splicing.

Labcorp Genetics (formerly Invitae), Labcorp
Classification: Likely benign for Hereditary diffuse gastric adenocarcinoma. Last evaluated: 2018-04-05. Review status: criteria provided, single submitter. Criteria: Invitae Variant Classification Sherloc (09022015). Collection method: clinical testing. Allele origin: germline.

NM_004360.5(CDH1):c.2165-9C>T

Gene: CDH1 (cadherin 1; plus strand). Cytogenetic location: 16q22.1.
Variant type: single nucleotide variant.
Coding change: c.2165-9C>T on transcript NM_004360.5 (MANE Select); 9 bases into the intron before coding-DNA position 2165, C replaced by T.
Molecular consequence: intron variant.
Genome position (GRCh38, 1-based): chr16:68,828,165, C>T. VCF-style: chr16-68828165-C-T. GRCh37 (hg19) VCF-style: chr16-68862068-C-T.
Other names: c.617-9C>T (NM_001317185.2); c.200-9C>T (NM_001317186.2); c.1982-9C>T (NM_001317184.2).
Identifiers: ClinVar variation 757602 (VCV000757602.10), dbSNP rs1596970607, ClinGen allele CA915949326.